The following is an entry in ClinVar:

ClinVar aggregate classification (germline): Uncertain significance. Review status: criteria provided, multiple submitters, no conflicts (2 of 4 stars). 3 submissions from 3 submitters: Uncertain significance (3). Last evaluated 2024-02-26.

Conditions:
Inborn genetic diseases. Identifiers: MedGen C0950123, MeSH D030342.
Mendelian susceptibility to mycobacterial diseases due to complete IL12RB1 deficiency. Also called: IL12RB1 DEFICIENCY; Immunodeficiency 30. Identifiers: Orphanet 319552, MedGen C4013949, MONDO:0013955, OMIM 614891.

Allele frequency attached by ClinVar (database versions not stated): gnomAD exomes 0.00003; ExAC 0.00003; TOPMed 0.00005; gnomAD 0.00003.
gnomAD v4.1: 54 of 1,611,074 alleles (0.0034%); highest among the groups gnomAD compares: Middle Eastern, 0.017%; no homozygotes.

Submissions (3):

Ambry Genetics
Classification: Uncertain significance for Inborn genetic diseases. Last evaluated: 2024-02-26. Review status: criteria provided, single submitter. Criteria: Ambry Variant Classification Scheme 2023. Collection method: clinical testing. Allele origin: germline.

Labcorp Genetics (formerly Invitae), Labcorp
Classification: Uncertain significance for Mendelian susceptibility to mycobacterial diseases due to complete IL12RB1 deficiency. Last evaluated: 2022-06-27. Review status: criteria provided, single submitter. Criteria: Invitae Variant Classification Sherloc (09022015). Collection method: clinical testing. Allele origin: germline.
Comment: This sequence change replaces glutamic acid, which is acidic and polar, with glycine, which is neutral and non-polar, at codon 495 of the IL12RB1 protein (p.Glu495Gly). This variant is present in population databases (rs773049771, gnomAD 0.006%). This variant has not been reported in the literature in individuals affected with IL12RB1-related conditions. ClinVar contains an entry for this variant (Variation ID: 1029974). Algorithms developed to predict the effect of missense changes on protein structure and function are either unavailable or do not agree on the potential impact of this missense change (SIFT: "Tolerated"; PolyPhen-2: "Possibly Damaging"; Align-GVGD: "Class C0"). Algorithms developed to predict the effect of sequence changes on RNA splicing suggest that this variant may disrupt the consensus splice site. In summary, the available evidence is currently insufficient to determine the role of this variant in disease. Therefore, it has been classified as a Variant of Uncertain Significance.

Baylor Genetics
Classification: Uncertain significance for Mendelian susceptibility to mycobacterial diseases due to complete IL12RB1 deficiency. Last evaluated: 2020-05-05. Review status: criteria provided, single submitter. Criteria: ACMG Guidelines, 2015. Collection method: clinical testing. Allele origin: unknown. Affected: yes.
Comment: This variant was determined to be of uncertain significance according to ACMG Guidelines, 2015 [PMID:25741868].

NM_005535.3(IL12RB1):c.1484A>G (p.Glu495Gly)

Gene: IL12RB1 (interleukin 12 receptor subunit beta 1; minus strand). Cytogenetic location: 19p13.11.
Variant type: single nucleotide variant.
Coding change: c.1484A>G on transcript NM_005535.3 (MANE Select); coding-DNA position 1484, A replaced by G.
Protein change: p.Glu495Gly; replaces glutamic acid 495 with glycine.
Molecular consequence: missense variant.
Genome position (GRCh38, 1-based): chr19:18,064,010, T>C on the plus strand (A>G on the coding strand, the complement: IL12RB1 is on the minus strand). VCF-style: chr19-18064010-T-C. GRCh37 (hg19) VCF-style: chr19-18174820-T-C.
Other names: c.1484A>G, p.Glu495Gly (NM_001290023.2); c.1604A>G, p.Glu535Gly (NM_001290024.2); short protein forms E495G, E535G.
Identifiers: ClinVar variation 1029974 (VCV001029974.6), dbSNP rs773049771, ClinGen allele CA9304811.
Genomic context (GRCh38, chr19:18,064,010, plus strand): 5'-GCTACACCAGCCCGCAGGCCACTGAGGGTAACTTGGGTCTCTGTGGGCTGCACGGGATGC[T>C]CTGCAGTGGGAGAGGCAACCCTGAGTCCTGGGACCTCTTTACTCCTCAGAGGCCAGGCTG-3'
Protein context (NP_005526.1, residues 485-505): CRDEDSKQVS[Glu495Gly]HPVQPTETQV